The following is an entry in ClinVar:

NM_013247.5(HTRA2):c.403_419dup (p.Ala141fs)

Gene: HTRA2 (HtrA serine peptidase 2; plus strand). Cytogenetic location: 2p13.1.
Variant type: Duplication.
Coding change: c.403_419dup on transcript NM_013247.5 (MANE Select); coding-DNA positions 403 to 419, 17 bases duplicated (GTCCCTAGCCCGCCGCC).
Protein change: p.Ala141fs; shifts the reading frame from alanine 141.
Molecular consequence: frameshift variant. On other transcripts: non-coding transcript variant (1).
Genome position (GRCh38, 1-based): chr2:74,530,409-74,530,425, GTCCCTAGCCCGCCGCC duplicated; duplicating any 17 consecutive bases within chr2:74,530,402-74,530,425 gives the same sequence; the c. name uses the placement nearest the transcript's 3' end. VCF-style (leftmost placement, unchanged base first): chr2-74530401-T-TCGCCGCCGTCCCTAGCC. GRCh37 (hg19) VCF-style: chr2-74757528-T-TCGCCGCCGTCCCTAGCC.
Other names: c.403_419dup, p.Ala141fs (NM_001321727.1, NM_001321728.1, NM_145074.2); short protein forms A141fs.
Identifiers: ClinVar variation 2799046 (VCV002799046.3), dbSNP rs2529880282, ClinGen allele CA2739271121.

ClinVar aggregate classification (germline): Pathogenic (1 of 4 stars; one submission).

Submission:

Labcorp Genetics (formerly Invitae), Labcorp
Classification: Pathogenic. Last evaluated: 2023-05-26. Review status: criteria provided, single submitter. Criteria: Invitae Variant Classification Sherloc (09022015). Collection method: clinical testing. Allele origin: germline.
Comment: For these reasons, this variant has been classified as Pathogenic. Algorithms developed to predict the effect of sequence changes on RNA splicing suggest that this variant may create or strengthen a splice site. This variant has not been reported in the literature in individuals affected with HTRA2-related conditions. This variant is not present in population databases (gnomAD no frequency). This sequence change creates a premature translational stop signal (p.Ala141Serfs*74) in the HTRA2 gene. It is expected to result in an absent or disrupted protein product. Loss-of-function variants in HTRA2 are known to be pathogenic (PMID: 25531304, 27208207, 27696117).

Literature cited by the submitters: PubMed 25531304; PubMed 27208207; PubMed 27696117.